The following is an entry in ClinVar:

NM_000528.4(MAN2B1):c.1419+2_1419+15del

Genes: MAN2B1 (mannosidase alpha class 2B member 1; minus strand), LOC129391064 (MPRA-validated peak3365 silencer; plus strand). Cytogenetic location: 19p13.13.
Variant type: Deletion.
Coding change: c.1419+2_1419+15del on transcript NM_000528.4 (MANE Select); the canonical splice donor site of the intron after coding-DNA position 1419 through 15 bases into the intron after coding-DNA position 1419, 14 bases deleted (TGCGCGGGGCGAGA).
Molecular consequence: splice donor variant.
Genome position (GRCh38, 1-based): chr19:12,657,431-12,657,444, TCTCGCCCCGCGCA deleted on the plus strand (TGCGCGGGGCGAGA on the coding strand, the reverse complement: MAN2B1 is on the minus strand). VCF-style (leftmost placement, unchanged base first): chr19-12657430-GTCTCGCCCCGCGCA-G. GRCh37 (hg19) VCF-style: chr19-12768244-GTCTCGCCCCGCGCA-G.
Other names: c.1416+2_1416+15del (NM_001173498.2).
Identifiers: ClinVar variation 1496706 (VCV001496706.6), dbSNP rs2145256406, ClinGen allele CA2573156058.

ClinVar aggregate classification (germline): Likely pathogenic (1 of 4 stars; one submission).

Conditions:
Deficiency of alpha-mannosidase (MANSA). Also called: Alpha-Mannosidosis; LYSOSOMAL ALPHA-D-MANNOSIDASE DEFICIENCY; Mannosidosis, alpha-, types I and II. Identifiers: Orphanet 61, MedGen C0024748, MONDO:0009561, OMIM 248500.

Submission:

Labcorp Genetics (formerly Invitae), Labcorp
Classification: Likely pathogenic for Deficiency of alpha-mannosidase. Last evaluated: 2021-11-27. Review status: criteria provided, single submitter. Criteria: Invitae Variant Classification Sherloc (09022015). Collection method: clinical testing. Allele origin: germline.
Comment: In summary, the currently available evidence indicates that the variant is pathogenic, but additional data are needed to prove that conclusively. Therefore, this variant has been classified as Likely Pathogenic. Algorithms developed to predict the effect of sequence changes on RNA splicing suggest that this variant may disrupt the consensus splice site. This variant has not been reported in the literature in individuals affected with MAN2B1-related conditions. This variant is not present in population databases (gnomAD no frequency). This sequence change affects a splice site in intron 11 of the MAN2B1 gene. It is expected to disrupt RNA splicing. Variants that disrupt the donor or acceptor splice site typically lead to a loss of protein function (PMID: 16199547), and loss-of-function variants in MAN2B1 are known to be pathogenic (PMID: 9915946, 22161967).

Literature cited by the submitters: PubMed 16199547; PubMed 9915946; PubMed 22161967.